The following is an entry in ClinVar:

ClinVar aggregate classification (germline): Uncertain significance (1 of 4 stars; one submission).

Conditions:
PCNT-related disorder. Also called: PCNT-related condition.

Submission:

PreventionGenetics, part of Exact Sciences
Classification: Uncertain significance for PCNT-related condition. Last evaluated: 2026-08-04. Review status: criteria provided, single submitter. Criteria: ACMG Guidelines, 2015. Collection method: clinical testing. Allele origin: germline.
Comment: The PCNT c.994T>G variant is predicted to result in the amino acid substitution p.Leu332Val. To our knowledge, this variant has not been reported in the literature or in a large population database (gnomAD), indicating this variant is rare. At this time, the clinical significance of this variant is uncertain due to the absence of conclusive functional and genetic evidence.

NM_006031.6(PCNT):c.994T>G (p.Leu332Val)

Gene: PCNT (pericentrin; plus strand). Cytogenetic location: 21q22.3.
Variant type: single nucleotide variant.
Coding change: c.994T>G on transcript NM_006031.6 (MANE Select); coding-DNA position 994, T replaced by G.
Protein change: p.Leu332Val; replaces leucine 332 with valine.
Molecular consequence: missense variant.
Genome position (GRCh38, 1-based): chr21:46,347,474, T>G. VCF-style: chr21-46347474-T-G. GRCh37 (hg19) VCF-style: chr21-47767388-T-G.
Other names: c.640T>G, p.Leu214Val (NM_001315529.2); short protein forms L332V, L214V.
Identifiers: ClinVar variation 4996304 (VCV004996304.1).